The following is an entry in ClinVar:

ClinVar aggregate classification (germline): Pathogenic. Review status: criteria provided, multiple submitters, no conflicts (2 of 4 stars). 2 submissions from 2 submitters: Pathogenic (2). Last evaluated 2024-07-30.

Conditions:
Asphyxiating thoracic dystrophy 3. Also called: SHORT-RIB THORACIC DYSPLASIA 3 WITH OR WITHOUT POLYDACTYLY; POLYDACTYLY WITH NEONATAL CHONDRODYSTROPHY, TYPE I; SHORT-RIB THORACIC DYSPLASIA 3/6 WITH POLYDACTYLY, DIGENIC; Short rib polydactyly syndrome 2B; Saldino-Noonan Syndrome. Identifiers: Orphanet 474, Orphanet 93269, Orphanet 93270, Orphanet 93271, MedGen C0036069, MONDO:0013127, OMIM 613091.
Jeune thoracic dystrophy. Also called: Short-rib thoracic dysplasia; Jeune syndrome; Infantile thoracic dystrophy; Thoracic pelvic phalangeal dystrophy; Jeune's syndrome; Chondroectodermal dysplasia-like syndrome. Identifiers: Orphanet 474, MedGen C0265275, MONDO:0018770.

Submissions (2):

Women's Health and Genetics/Laboratory Corporation of America, LabCorp
Classification: Pathogenic for Asphyxiating thoracic dystrophy 3. Last evaluated: 2024-07-30. Review status: criteria provided, single submitter. Criteria: LabCorp Variant Classification Summary - May 2015. Collection method: clinical testing. Allele origin: germline.
Comment: Variant summary: DYNC2H1 c.2990delT (p.Leu997TyrfsX9) results in a premature termination codon, predicted to cause a truncation of the encoded protein or absence of the protein due to nonsense mediated decay, which are commonly known mechanisms for disease. The variant allele was found at a frequency of 4.1e-06 in 246076 control chromosomes. To our knowledge, no occurrence of c.2990delT in individuals affected with Short-rib thoracic dysplasia and no experimental evidence demonstrating its impact on protein function have been reported. ClinVar contains an entry for this variant (Variation ID: 2890960). Based on the evidence outlined above, the variant was classified as pathogenic.

Labcorp Genetics (formerly Invitae), Labcorp
Classification: Pathogenic for Jeune thoracic dystrophy. Last evaluated: 2023-03-17. Review status: criteria provided, single submitter. Criteria: Invitae Variant Classification Sherloc (09022015). Collection method: clinical testing. Allele origin: germline.
Comment: This sequence change creates a premature translational stop signal (p.Leu997Tyrfs*9) in the DYNC2H1 gene. It is expected to result in an absent or disrupted protein product. Loss-of-function variants in DYNC2H1 are known to be pathogenic (PMID: 23339108, 32753734). This variant is present in population databases (no rsID available, gnomAD 0.0009%). This variant has not been reported in the literature in individuals affected with DYNC2H1-related conditions. For these reasons, this variant has been classified as Pathogenic.

Literature cited by the submitters: PubMed 23339108 (cited by Labcorp Genetics (formerly Invitae), Labcorp); PubMed 32753734 (cited by Labcorp Genetics (formerly Invitae), Labcorp).

NM_001377.3(DYNC2H1):c.2990del (p.Leu997fs)

Gene: DYNC2H1 (dynein cytoplasmic 2 heavy chain 1; plus strand). Cytogenetic location: 11q22.3.
Variant type: Deletion.
Coding change: c.2990del on transcript NM_001377.3 (MANE Select); coding-DNA position 2990, one base deleted (T; older notation c.2990delT).
Protein change: p.Leu997fs; shifts the reading frame from leucine 997.
Molecular consequence: frameshift variant.
Genome position (GRCh38, 1-based): chr11:103,152,179, T deleted; the last of 4 consecutive T bases (chr11:103,152,176-103,152,179); deleting any one gives the same sequence. VCF-style (leftmost placement, unchanged base first): chr11-103152175-CT-C. GRCh37 (hg19) VCF-style: chr11-103022904-CT-C.
Other names: c.2990delT (NM_001080463.2); c.2990del, p.Leu997fs (NM_001080463.2); short protein forms L997fs.
Identifiers: ClinVar variation 2890960 (VCV002890960.5), dbSNP rs1446166328, ClinGen allele CA601240086.
Genomic context (GRCh38, chr11:103,152,175, plus strand): 5'-TTTTTTTTTTTTAACCTTTAGATTTTGCCCTTATTTCAAGAAGCTGAAGACAAAAACAGA[CT>C]TTTACGAACTGTGGCTGGTGGAGGTTTAGAAACAATTAGTAATTTGAAAGCCAAGTGGGA-3'